The following is an entry in ClinVar:

NM_001009944.3(PKD1):c.4269dup (p.Thr1424fs)

Gene: PKD1 (polycystin 1, transient receptor potential channel interacting; minus strand). Cytogenetic location: 16p13.3.
Variant type: Duplication.
Coding change: c.4269dup on transcript NM_001009944.3 (MANE Select); coding-DNA position 4269, one base duplicated (C; older notation c.4269dupC).
Protein change: p.Thr1424fs; shifts the reading frame from threonine 1424.
Molecular consequence: frameshift variant.
Genome position (GRCh38, 1-based): chr16:2,110,898, G duplicated on the plus strand (C on the coding strand, the reverse complement: PKD1 is on the minus strand); the first of 5 consecutive G bases (chr16:2,110,898-2,110,902); duplicating any one gives the same sequence. VCF-style (leftmost placement, unchanged base first): chr16-2110897-T-TG. GRCh37 (hg19) VCF-style: chr16-2160898-T-TG.
Other names: c.4269dup, p.Thr1424fs (NM_000296.4); short protein forms T1424fs.
Identifiers: ClinVar variation 4538488 (VCV004538488.1).
Genomic context (GRCh38, chr16:2,110,897, plus strand): 5'-TCACAAGATAGGAGCCTGGGTCTCGGTAGATGAACGTCACCTCAGGGCCCCTGGCACGGG[T>TG]GGGGGCGGCTTCCTCGGTGCCAAAGTCCCAGGTGTAGCGGTAGGGGAACGGGGGCCAGGC-3'

ClinVar aggregate classification (germline): Likely pathogenic (1 of 4 stars; one submission).

Conditions:
Polycystic kidney disease, adult type (PKD1). Also called: Polycystic Kidney, Autosomal Dominant; POLYCYSTIC KIDNEY DISEASE, ADULT, TYPE I; Polycystic Kidney Disease 1, Autosomal Dominant; Polycystic kidney disease 1; Polycystic kidney disease 1, severe; POLYCYSTIC KIDNEY DISEASE 1 WITH OR WITHOUT POLYCYSTIC LIVER DISEASE. Identifiers: MedGen C3149841, MONDO:0008263, OMIM 173900.

Submission:

Genetics Department, Catlab
Classification: Likely pathogenic for Polycystic kidney disease, adult type. Last evaluated: 2025-12-18. Review status: criteria provided, single submitter. Criteria: ACMG Guidelines, 2015. Collection method: clinical testing. Allele origin: germline. Affected: yes.
Comment: The c.4269dup change in the PKD1 gene is a loss of function variant predicted to undergo nonsense mediated decay and loss of function variants have been described as a causing mechanism for the gene (PVS1_verystrong). The variant is absent from gnomAD v4.1 (PM2_moderate). With all the available evidence, the variant is classified as likely pathogenic.